The following is an entry in ClinVar:

NM_001376.5(DYNC1H1):c.7825C>T (p.Leu2609Phe)

Gene: DYNC1H1 (dynein cytoplasmic 1 heavy chain 1; plus strand). Cytogenetic location: 14q32.31.
Variant type: single nucleotide variant.
Coding change: c.7825C>T on transcript NM_001376.5 (MANE Select); coding-DNA position 7825, C replaced by T.
Protein change: p.Leu2609Phe; replaces leucine 2609 with phenylalanine.
Molecular consequence: missense variant.
Genome position (GRCh38, 1-based): chr14:102,016,976, C>T. VCF-style: chr14-102016976-C-T. GRCh37 (hg19) VCF-style: chr14-102483313-C-T.
Other names: short protein forms L2609F.
Identifiers: ClinVar variation 2750110 (VCV002750110.3), dbSNP rs2503772255, ClinGen allele CA391003145.
Genomic context (GRCh38, chr14:102,016,976, plus strand): 5'-AAGCCCCTGGTCTTGTGTGGCCCTCCTGGGTCTGGCAAGACCATGACACTCTTCAGCGCC[C>T]TCCGGGCCTTGCCTGACATGGAGGTAAAGAGGCCAGGAGGTGGGCAGCAGACCTTTTGGT-3'
Protein context (NP_001367.2, residues 2599-2619): SGKTMTLFSA[Leu2609Phe]RALPDMEVVG

ClinVar aggregate classification (germline): Uncertain significance (1 of 4 stars; one submission).

Conditions:
Charcot-Marie-Tooth disease axonal type 2O. Also called: Charcot-Marie-Tooth disease, axonal, type 20; CHARCOT-MARIE-TOOTH NEUROPATHY, AXONAL, TYPE 2O; CHARCOT-MARIE-TOOTH DISEASE, AXONAL, AUTOSOMAL DOMINANT, TYPE 2O; Charcot-Marie-Tooth Neuropathy Type 2O. Identifiers: Orphanet 284232, MedGen C3280220, MONDO:0013644, OMIM 614228.

Submission:

Labcorp Genetics (formerly Invitae), Labcorp
Classification: Uncertain significance for Charcot-Marie-Tooth disease axonal type 2O. Last evaluated: 2023-12-22. Review status: criteria provided, single submitter. Criteria: Invitae Variant Classification Sherloc (09022015). Collection method: clinical testing. Allele origin: germline.
Comment: This sequence change replaces leucine, which is neutral and non-polar, with phenylalanine, which is neutral and non-polar, at codon 2609 of the DYNC1H1 protein (p.Leu2609Phe). This variant is not present in population databases (gnomAD no frequency). This variant has not been reported in the literature in individuals affected with DYNC1H1-related conditions. Advanced modeling of protein sequence and biophysical properties (such as structural, functional, and spatial information, amino acid conservation, physicochemical variation, residue mobility, and thermodynamic stability) performed at Invitae indicates that this missense variant is expected to disrupt DYNC1H1 protein function with a positive predictive value of 80%. In summary, the available evidence is currently insufficient to determine the role of this variant in disease. Therefore, it has been classified as a Variant of Uncertain Significance.